The following is an entry in ClinVar:

NM_133459.4(CCBE1):c.208T>C (p.Tyr70His)

Gene: CCBE1 (collagen and calcium binding EGF domains 1; minus strand). Cytogenetic location: 18q21.32.
Variant type: single nucleotide variant.
Coding change: c.208T>C on transcript NM_133459.4 (MANE Select); coding-DNA position 208, T replaced by C.
Protein change: p.Tyr70His; replaces tyrosine 70 with histidine.
Molecular consequence: missense variant.
Genome position (GRCh38, 1-based): chr18:59,696,633, A>G on the plus strand (T>C on the coding strand, the complement: CCBE1 is on the minus strand). VCF-style: chr18-59696633-A-G. GRCh37 (hg19) VCF-style: chr18-57363865-A-G.
Other names: short protein forms Y70H.
Identifiers: ClinVar variation 2001485 (VCV002001485.4), dbSNP rs2511611493, ClinGen allele CA402717189.
Genomic context (GRCh38, chr18:59,696,633, plus strand): 5'-TCCCCAGCCAGCCCCGGTGCGCAGTGGCGAACAGCCCGCAGAGCCCCCAGGCTTACCTGT[A>G]GCATGTGGTGAGCTCGCCTGAAGACTTCAGACACGGGTATTTAGTCGTCGCGATTTTGCT-3'
Protein context (NP_597716.1, residues 60-80): LKSSGELTTC[Tyr70His]RKKCCKGYKF

ClinVar aggregate classification (germline): Uncertain significance (1 of 4 stars; one submission).

Allele frequency attached by ClinVar (database versions not stated): gnomAD exomes below 0.00001.
gnomAD v4.1: 1 of 1,613,994 alleles (0.000062%); highest among the groups gnomAD compares: Non-Finnish European, 0.000085%; no homozygotes.

Submission:

Labcorp Genetics (formerly Invitae), Labcorp
Classification: Uncertain significance. Last evaluated: 2022-05-31. Review status: criteria provided, single submitter. Criteria: Invitae Variant Classification Sherloc (09022015). Collection method: clinical testing. Allele origin: germline.
Comment: This sequence change replaces tyrosine, which is neutral and polar, with histidine, which is basic and polar, at codon 70 of the CCBE1 protein (p.Tyr70His). This variant is not present in population databases (gnomAD no frequency). This variant has not been reported in the literature in individuals affected with CCBE1-related conditions. Algorithms developed to predict the effect of missense changes on protein structure and function (SIFT, PolyPhen-2, Align-GVGD) all suggest that this variant is likely to be tolerated. In summary, the available evidence is currently insufficient to determine the role of this variant in disease. Therefore, it has been classified as a Variant of Uncertain Significance.